The following is an entry in ClinVar:

NM_015057.5(MYCBP2):c.6829G>A (p.Asp2277Asn)

Gene: MYCBP2 (MYC binding protein 2; minus strand). Cytogenetic location: 13q22.3.
Variant type: single nucleotide variant.
Coding change: c.6829G>A on transcript NM_015057.5 (MANE Select); coding-DNA position 6829, G replaced by A.
Protein change: p.Asp2277Asn; replaces aspartic acid 2277 with asparagine.
Molecular consequence: missense variant.
Genome position (GRCh38, 1-based): chr13:77,156,144, C>T on the plus strand (G>A on the coding strand, the complement: MYCBP2 is on the minus strand). VCF-style: chr13-77156144-C-T. GRCh37 (hg19) VCF-style: chr13-77730279-C-T.
Other names: short protein forms D2277N.
Identifiers: ClinVar variation 3766184 (VCV003766184.1).

ClinVar aggregate classification (germline): Uncertain significance (1 of 4 stars; one submission).

Submission:

GeneDx
Classification: Uncertain significance. Last evaluated: 2024-09-03. Review status: criteria provided, single submitter. Criteria: GeneDx Variant Classification Process June 2021. Collection method: clinical testing. Allele origin: germline. Affected: yes.
Comment: Not observed at significant frequency in large population cohorts (gnomAD); In silico analysis supports that this missense variant has a deleterious effect on protein structure/function; Has not been previously published as pathogenic or benign to our knowledge